The following is an entry in ClinVar:

NM_004006.3(DMD):c.10211A>G (p.Asp3404Gly)

Gene: DMD (dystrophin; minus strand). Cytogenetic location: Xp21.2.
Variant type: single nucleotide variant.
Coding change: c.10211A>G on transcript NM_004006.3 (MANE Select); coding-DNA position 10211, A replaced by G.
Protein change: p.Asp3404Gly; replaces aspartic acid 3404 with glycine.
Molecular consequence: missense variant.
Genome position (GRCh38, 1-based): chrX:31,178,681, T>C on the plus strand (A>G on the coding strand, the complement: DMD is on the minus strand). VCF-style: chrX-31178681-T-C. GRCh37 (hg19) VCF-style: chrX-31196798-T-C.
Other names: c.10187A>G, p.Asp3396Gly (NM_000109.4); c.10199A>G, p.Asp3400Gly (NM_004009.3); c.9842A>G, p.Asp3281Gly (NM_004010.3); c.6188A>G, p.Asp2063Gly (NM_004011.4); c.6179A>G, p.Asp2060Gly (NM_004012.4); c.2831A>G, p.Asp944Gly (NM_004013.3, NM_004020.4, NM_004021.3 and 2 more transcripts); c.2024A>G, p.Asp675Gly (NM_004014.3); c.1007A>G, p.Asp336Gly (NM_004015.3, NM_004016.3, NM_004017.3 and 2 more transcripts); short protein forms D3404G, D2060G, D2063G, D944G, D3281G, D336G, D3396G, D3400G.
Identifiers: ClinVar variation 567418 (VCV000567418.15), dbSNP rs745766977, ClinGen allele CA10377678.
Genomic context (GRCh38, chrX:31,178,681, plus strand): 5'-TCAAATATACATCAAACAAGAGTGTGTTCTGCTTTTGCTACTACTCACGTTTCCATGTTG[T>C]CCCCCTCTAAGACAGTCTGCACTGGCAGGTAGCCCATTCGGGGATGCTTCGCAAAATACC-3'
Protein context (NP_003997.2, residues 3394-3414): YLPVQTVLEG[Asp3404Gly]NMETPVTLIN

ClinVar aggregate classification (germline): Conflicting classifications of pathogenicity. Review status: criteria provided, conflicting classifications (1 of 4 stars). 4 submissions from 4 submitters: Uncertain significance (2); Likely benign (1). 1 of the submissions does not count toward it. Last evaluated 2026-01-18.

Conditions:
Dystrophin deficiency.
Cardiovascular phenotype. Identifiers: MedGen CN230736.
Duchenne muscular dystrophy (DMD). Also called: Duchenne Muscular Dystrophy (DMD); MUSCULAR DYSTROPHY, PSEUDOHYPERTROPHIC PROGRESSIVE, DUCHENNE TYPE. Identifiers: Orphanet 98896, MedGen C0013264, MONDO:0010679, OMIM 310200.

Allele frequency attached by ClinVar (database versions not stated): ExAC 0.00001; gnomAD exomes 0.00001 and 0.00002; TOPMed 0.00001; gnomAD 0.00002.
gnomAD v4.1: 25 of 1,205,433 alleles (0.0021%); highest among the groups gnomAD compares: Non-Finnish European, 0.0027%; no homozygotes.

Submissions (4):

Labcorp Genetics (formerly Invitae), Labcorp
Classification: Likely benign for Duchenne muscular dystrophy. Last evaluated: 2026-01-18. Review status: criteria provided, single submitter. Criteria: Invitae Variant Classification Sherloc (09022015). Collection method: clinical testing. Allele origin: germline.

Ambry Genetics
Classification: Uncertain significance for Cardiovascular phenotype. Last evaluated: 2024-05-29. Review status: criteria provided, single submitter. Criteria: Ambry Variant Classification Scheme 2023. Collection method: clinical testing. Allele origin: germline.
Comment: The p.D3404G variant (also known as c.10211A>G), located in coding exon 70 of the DMD gene, results from an A to G substitution at nucleotide position 10211. The aspartic acid at codon 3404 is replaced by glycine, an amino acid with similar properties. Based on data from gnomAD, the G allele has an overall frequency of 0.001% (2/182220) total alleles studied, with 1 hemizygote observed. The highest observed frequency was 0.008% (1/13150) of African/African-American alleles. This amino acid position is highly conserved in available vertebrate species. In addition, this alteration is predicted to be deleterious by in silico analysis. Since supporting evidence is limited at this time, the clinical significance of this alteration remains unclear.

Revvity Omics, Revvity
Classification: Uncertain significance. Last evaluated: 2023-07-12. Review status: criteria provided, single submitter. Criteria: ACMG Guidelines, 2015. Collection method: clinical testing. Allele origin: germline.

Natera, Inc.
Classification: Uncertain significance for Dystrophin deficiency. Last evaluated: 2020-09-16. Review status: no assertion criteria provided. Collection method: clinical testing. Allele origin: germline. Not counted in ClinVar's aggregate classification.